The following is an entry in ClinVar:

ClinVar aggregate classification (germline): Uncertain significance (1 of 4 stars; one submission).

Submission:

Labcorp Genetics (formerly Invitae), Labcorp
Classification: Uncertain significance. Last evaluated: 2023-10-03. Review status: criteria provided, single submitter. Criteria: Invitae Variant Classification Sherloc (09022015). Collection method: clinical testing. Allele origin: germline.
Comment: This sequence change replaces proline, which is neutral and non-polar, with glutamine, which is neutral and polar, at codon 211 of the ITGAM protein (p.Pro211Gln). This variant is not present in population databases (gnomAD no frequency). This variant has not been reported in the literature in individuals affected with ITGAM-related conditions. ClinVar contains an entry for this variant (Variation ID: 1721251). An algorithm developed to predict the effect of missense changes on protein structure and function (PolyPhen-2) suggests that this variant is likely to be disruptive. In summary, the available evidence is currently insufficient to determine the role of this variant in disease. Therefore, it has been classified as a Variant of Uncertain Significance.

NM_000632.4(ITGAM):c.632C>A (p.Pro211Gln)

Gene: ITGAM (integrin subunit alpha M; plus strand). Cytogenetic location: 16p11.2.
Variant type: single nucleotide variant.
Coding change: c.632C>A on transcript NM_000632.4 (MANE Select); coding-DNA position 632, C replaced by A.
Protein change: p.Pro211Gln; replaces proline 211 with glutamine.
Molecular consequence: missense variant.
Genome position (GRCh38, 1-based): chr16:31,271,920, C>A. VCF-style: chr16-31271920-C-A. GRCh37 (hg19) VCF-style: chr16-31283241-C-A.
Other names: c.632C>A, p.Pro211Gln (NM_001145808.2); short protein forms P211Q.
Identifiers: ClinVar variation 1721251 (VCV001721251.5), dbSNP rs747531247, ClinGen allele CA395691851.